The following is an entry in ClinVar:

ClinVar aggregate classification (germline): Benign. Review status: criteria provided, multiple submitters, no conflicts (2 of 4 stars). 2 submissions from 2 submitters: Benign (2). Last evaluated 2018-06-19.

Allele frequency attached by ClinVar (database versions not stated): gnomAD 0.06130 and 0.07217; gnomAD exomes 0.09518; TOPMed 0.09658; 1000 Genomes Project 30x 0.22893; 1000 Genomes Project 0.23974.
gnomAD v4.1: 53,392 of 594,561 alleles (9%); highest among the groups gnomAD compares: East Asian, 69%; 7,668 homozygotes.

Submissions (2):

GeneDx
Classification: Benign. Last evaluated: 2018-06-19. Review status: criteria provided, single submitter. Criteria: GeneDx Variant Classification (06012015). Collection method: clinical testing. Allele origin: germline. Affected: yes.
Comment: This variant is considered likely benign or benign based on one or more of the following criteria: it is a conservative change, it occurs at a poorly conserved position in the protein, it is predicted to be benign by multiple in silico algorithms, and/or has population frequency not consistent with disease.

Breakthrough Genomics
Classification: Benign. Review status: criteria provided, single submitter. Criteria: ACMG Guidelines, 2015. Collection method: not provided. Allele origin: germline. Inheritance: X-linked inheritance. Affected: yes.

NM_002637.4(PHKA1):c.2606+101T>G

Gene: PHKA1 (phosphorylase kinase regulatory subunit alpha 1; minus strand). Cytogenetic location: Xq13.1.
Variant type: single nucleotide variant.
Coding change: c.2606+101T>G on transcript NM_002637.4 (MANE Select); 101 bases into the intron after coding-DNA position 2606, T replaced by G.
Molecular consequence: intron variant.
Genome position (GRCh38, 1-based): chrX:72,609,523, A>C on the plus strand (T>G on the coding strand, the complement: PHKA1 is on the minus strand). VCF-style: chrX-72609523-A-C. GRCh37 (hg19) VCF-style: chrX-71829373-A-C.
Other names: c.2429+101T>G (NM_001172436.2); c.2606+101T>G (NM_001122670.2).
Identifiers: ClinVar variation 676227 (VCV000676227.2), dbSNP rs1883070, ClinGen allele CA331073291.